The following is an entry in ClinVar:

ClinVar aggregate classification (germline): Uncertain significance (1 of 4 stars; one submission).

Conditions:
Long QT syndrome (LQTS). Identifiers: MedGen C0023976, MeSH D008133, MONDO:0002442. Disease mechanism: loss of function. Inheritance: Various modes of inheritance.

Allele frequency attached by ClinVar (database versions not stated): TOPMed below 0.00001; gnomAD 0.00001; ESP Exome Variant Server 0.00008.
gnomAD v4.1: 14 of 1,613,306 alleles (0.00087%); highest among the groups gnomAD compares: Non-Finnish European, 0.0012%; no homozygotes.

Submission:

Labcorp Genetics (formerly Invitae), Labcorp
Classification: Uncertain significance for Long QT syndrome. Last evaluated: 2025-09-02. Review status: criteria provided, single submitter. Criteria: Invitae Variant Classification Sherloc (09022015). Collection method: clinical testing. Allele origin: germline.
Comment: This sequence change replaces glutamic acid, which is acidic and polar, with lysine, which is basic and polar, at codon 849 of the CACNA1C protein (p.Glu849Lys). This variant is not present in population databases (gnomAD no frequency). This variant has not been reported in the literature in individuals affected with CACNA1C-related conditions. ClinVar contains an entry for this variant (Variation ID: 645989). Invitae Evidence Modeling of protein sequence and biophysical properties (such as structural, functional, and spatial information, amino acid conservation, physicochemical variation, residue mobility, and thermodynamic stability) indicates that this missense variant is not expected to disrupt CACNA1C protein function with a negative predictive value of 80%. In summary, the available evidence is currently insufficient to determine the role of this variant in disease. Therefore, it has been classified as a Variant of Uncertain Significance.

NM_000719.7(CACNA1C):c.2545G>A (p.Glu849Lys)

Gene: CACNA1C (calcium voltage-gated channel subunit alpha1 C; plus strand). Cytogenetic location: 12p13.33.
Variant type: single nucleotide variant.
Coding change: c.2545G>A on transcript NM_000719.7 (MANE Select); coding-DNA position 2545, G replaced by A.
Protein change: p.Glu849Lys; replaces glutamic acid 849 with lysine.
Molecular consequence: missense variant.
Genome position (GRCh38, 1-based): chr12:2,593,227, G>A. VCF-style: chr12-2593227-G-A. GRCh37 (hg19) VCF-style: chr12-2702393-G-A.
Other names: c.2545G>A, p.Glu849Lys (NM_001129827.2, NM_001129829.2, NM_001129830.3 and 18 more transcripts); c.2536G>A, p.Glu846Lys (NM_001129844.2); short protein forms E846K, E849K.
Identifiers: ClinVar variation 645989 (VCV000645989.9), dbSNP rs370446470, ClinGen allele CA231594260.